The following is an entry in ClinVar:

NM_003500.4(ACOX2):c.157G>A (p.Val53Ile)

Gene: ACOX2 (acyl-CoA oxidase 2; minus strand). Cytogenetic location: 3p14.3.
Variant type: single nucleotide variant.
Coding change: c.157G>A on transcript NM_003500.4 (MANE Select); coding-DNA position 157, G replaced by A.
Protein change: p.Val53Ile; replaces valine 53 with isoleucine.
Molecular consequence: missense variant.
Genome position (GRCh38, 1-based): chr3:58,534,950, C>T on the plus strand (G>A on the coding strand, the complement: ACOX2 is on the minus strand). VCF-style: chr3-58534950-C-T. GRCh37 (hg19) VCF-style: chr3-58520677-C-T.
Other names: c.157G>A (NM_003500.3); short protein forms V53I.
Identifiers: ClinVar variation 3612926 (VCV003612926.3).

ClinVar aggregate classification (germline): Uncertain significance. Review status: criteria provided, multiple submitters, no conflicts (2 of 4 stars). 2 submissions from 2 submitters: Uncertain significance (2). Last evaluated 2025-02-11.

Conditions:
ACOX2-related disorder. Also called: ACOX2-related condition.

gnomAD v4.1: 6 of 1,614,168 alleles (0.00037%); highest among the groups gnomAD compares: Non-Finnish European, 0.00051%; no homozygotes.

Submissions (2):

PreventionGenetics, part of Exact Sciences
Classification: Uncertain significance for ACOX2-related condition. Last evaluated: 2025-02-11. Review status: criteria provided, single submitter. Criteria: ACMG Guidelines, 2015. Collection method: clinical testing. Allele origin: germline.
Comment: The ACOX2 c.157G>A variant is predicted to result in the amino acid substitution p.Val53Ile. To our knowledge, this variant has not been reported in the literature. This variant is reported in 0.00088% of alleles in individuals of European (Non-Finnish) descent in gnomAD. At this time, the clinical significance of this variant is uncertain due to the absence of conclusive functional and genetic evidence.

Labcorp Genetics (formerly Invitae), Labcorp
Classification: Uncertain significance. Last evaluated: 2024-04-05. Review status: criteria provided, single submitter. Criteria: Invitae Variant Classification Sherloc (09022015). Collection method: clinical testing. Allele origin: germline.
Comment: This sequence change replaces valine, which is neutral and non-polar, with isoleucine, which is neutral and non-polar, at codon 53 of the ACOX2 protein (p.Val53Ile). This variant is present in population databases (no rsID available, gnomAD 0.0009%). This variant has not been reported in the literature in individuals affected with ACOX2-related conditions. Algorithms developed to predict the effect of missense changes on protein structure and function output the following: SIFT: "Not Available"; PolyPhen-2: "Benign"; Align-GVGD: "Not Available". The isoleucine amino acid residue is found in multiple mammalian species, which suggests that this missense change does not adversely affect protein function. In summary, the available evidence is currently insufficient to determine the role of this variant in disease. Therefore, it has been classified as a Variant of Uncertain Significance.